The following is an entry in ClinVar:

NM_022089.4(ATP13A2):c.59C>T (p.Thr20Met)

Gene: ATP13A2 (ATPase cation transporting 13A2; minus strand). Cytogenetic location: 1p36.13.
Variant type: single nucleotide variant.
Coding change: c.59C>T on transcript NM_022089.4 (MANE Select); coding-DNA position 59, C replaced by T.
Protein change: p.Thr20Met; replaces threonine 20 with methionine.
Molecular consequence: missense variant.
Genome position (GRCh38, 1-based): chr1:17,005,730, G>A on the plus strand (C>T on the coding strand, the complement: ATP13A2 is on the minus strand). VCF-style: chr1-17005730-G-A. GRCh37 (hg19) VCF-style: chr1-17332225-G-A.
Other names: c.59C>T, p.Thr20Met (NM_001141973.3, NM_001141974.3); short protein forms T20M.
Identifiers: ClinVar variation 1163730 (VCV001163730.9), dbSNP rs773699589, ClinGen allele CA637786.

ClinVar aggregate classification (germline): Uncertain significance. Review status: criteria provided, multiple submitters, no conflicts (2 of 4 stars). 3 submissions from 3 submitters: Uncertain significance (3). Last evaluated 2025-01-03.

Conditions:
Inborn genetic diseases. Identifiers: MedGen C0950123, MeSH D030342.
Kufor-Rakeb syndrome (KRS). Also called: PARKINSON DISEASE 9, AUTOSOMAL RECESSIVE, JUVENILE-ONSET. Identifiers: Orphanet 306674, Orphanet 314632, MedGen C1847640, MONDO:0011706, OMIM 606693.
Autosomal recessive spastic paraplegia type 78. Identifiers: Orphanet 513436, MedGen C5567893, MONDO:0014975, OMIM 617225.

Allele frequency attached by ClinVar (database versions not stated): gnomAD 0.00001; gnomAD exomes 0.00001; ExAC 0.00002; TOPMed 0.00003.
gnomAD v4.1: 24 of 1,613,482 alleles (0.0015%); highest among the groups gnomAD compares: Middle Eastern, 0.016%; no homozygotes.

Submissions (3):

Ambry Genetics
Classification: Uncertain significance for Inborn genetic diseases. Last evaluated: 2025-01-03. Review status: criteria provided, single submitter. Criteria: Ambry Variant Classification Scheme 2023. Collection method: clinical testing. Allele origin: germline.

Labcorp Genetics (formerly Invitae), Labcorp
Classification: Uncertain significance for Kufor-Rakeb syndrome; Autosomal recessive spastic paraplegia type 78. Last evaluated: 2022-03-23. Review status: criteria provided, single submitter. Criteria: Invitae Variant Classification Sherloc (09022015). Collection method: clinical testing. Allele origin: germline.
Comment: This sequence change replaces threonine, which is neutral and polar, with methionine, which is neutral and non-polar, at codon 20 of the ATP13A2 protein (p.Thr20Met). This variant is present in population databases (rs773699589, gnomAD 0.003%). This variant has not been reported in the literature in individuals affected with ATP13A2-related conditions. ClinVar contains an entry for this variant (Variation ID: 1163730). Advanced modeling of protein sequence and biophysical properties (such as structural, functional, and spatial information, amino acid conservation, physicochemical variation, residue mobility, and thermodynamic stability) performed at Invitae indicates that this missense variant is not expected to disrupt ATP13A2 protein function. In summary, the available evidence is currently insufficient to determine the role of this variant in disease. Therefore, it has been classified as a Variant of Uncertain Significance.

Mayo Clinic Laboratories, Mayo Clinic
Classification: Uncertain significance. Last evaluated: 2019-12-11. Review status: criteria provided, single submitter. Criteria: ACMG Guidelines, 2015. Collection method: clinical testing. Allele origin: germline. Observed: 1 variant allele.

Literature cited by the submitters: PubMed 32412666 (cited by Ambry Genetics).